The following is an entry in ClinVar:

NM_177550.5(SLC13A5):c.1227dup (p.Ile410fs)

Gene: SLC13A5 (solute carrier family 13 member 5; minus strand). Cytogenetic location: 17p13.1.
Variant type: Duplication.
Coding change: c.1227dup on transcript NM_177550.5 (MANE Select); coding-DNA position 1227, one base duplicated (C; older notation c.1227dupC).
Protein change: p.Ile410fs; shifts the reading frame from isoleucine 410.
Molecular consequence: frameshift variant.
Genome position (GRCh38, 1-based): chr17:6,693,092, G duplicated on the plus strand (C on the coding strand, the reverse complement: SLC13A5 is on the minus strand). VCF-style (leftmost placement, unchanged base first): chr17-6693091-T-TG. GRCh37 (hg19) VCF-style: chr17-6596410-T-TG.
Other names: c.1227dup, p.Ile410fs (NM_001143838.3); c.1176dup, p.Ile393fs (NM_001284509.2); c.1098dup, p.Ile367fs (NM_001284510.2); c.1227dupC (NM_177550.4); short protein forms I393fs, I410fs, I367fs.
Identifiers: ClinVar variation 373238 (VCV000373238.3), dbSNP rs1057518299, ClinGen allele CA16043054.

ClinVar aggregate classification (germline): Pathogenic. Review status: criteria provided, multiple submitters, no conflicts (2 of 4 stars). 2 submissions from 2 submitters: Pathogenic (2). Last evaluated 2020-12-23.

Conditions:
SLC13A5-related disorder. Also called: SLC13A5-related condition.

Submissions (2):

Blueprint Genetics
Classification: Pathogenic for SLC13A5-related disorders. Last evaluated: 2020-12-23. Review status: criteria provided, single submitter. Criteria: ACMG Guidelines, 2015. Collection method: clinical testing. Allele origin: germline. Affected: yes. Observed: 1 variant allele.

GeneDx
Classification: Pathogenic. Last evaluated: 2016-11-24. Review status: criteria provided, single submitter. Criteria: GeneDx Variant Classification (06012015). Collection method: clinical testing. Allele origin: germline. Affected: yes.
Comment: The c.1227dupC pathogenic variant in the SLC13A5 gene causes a frameshift starting with codon Isoleucine 410, changes this amino acid to a Histidine residue and creates a premature Stop codon at position 13 of the new reading frame, denoted p.Ile410HisfsX13. This pathogenic variant is predicted to cause loss of normal protein function either through protein truncation or nonsense-mediated mRNA decay.